The following is an entry in ClinVar:

NM_001378778.1(MPDZ):c.2470G>A (p.Asp824Asn)

Gene: MPDZ (multiple PDZ domain crumbs cell polarity complex component; minus strand). Cytogenetic location: 9p23.
Variant type: single nucleotide variant.
Coding change: c.2470G>A on transcript NM_001378778.1 (MANE Select); coding-DNA position 2470, G replaced by A.
Protein change: p.Asp824Asn; replaces aspartic acid 824 with asparagine.
Molecular consequence: missense variant.
Genome position (GRCh38, 1-based): chr9:13,186,281, C>T on the plus strand (G>A on the coding strand, the complement: MPDZ is on the minus strand). VCF-style: chr9-13186281-C-T. GRCh37 (hg19) VCF-style: chr9-13186280-C-T.
Other names: c.2470G>A, p.Asp824Asn (NM_001261406.2, NM_001261407.2, NM_001330637.2 and 14 more transcripts); short protein forms D824N.
Identifiers: ClinVar variation 1485676 (VCV001485676.6), dbSNP rs2134679107, ClinGen allele CA372936196.

ClinVar aggregate classification (germline): Uncertain significance (1 of 4 stars; one submission).

Submission:

Labcorp Genetics (formerly Invitae), Labcorp
Classification: Uncertain significance. Last evaluated: 2022-07-12. Review status: criteria provided, single submitter. Criteria: Invitae Variant Classification Sherloc (09022015). Collection method: clinical testing. Allele origin: germline.
Comment: Algorithms developed to predict the effect of missense changes on protein structure and function are either unavailable or do not agree on the potential impact of this missense change (SIFT: "Deleterious"; PolyPhen-2: "Benign"; Align-GVGD: "Class C0"). This sequence change replaces aspartic acid, which is acidic and polar, with asparagine, which is neutral and polar, at codon 824 of the MPDZ protein (p.Asp824Asn). This variant is not present in population databases (gnomAD no frequency). This variant has not been reported in the literature in individuals affected with MPDZ-related conditions. ClinVar contains an entry for this variant (Variation ID: 1485676). In summary, the available evidence is currently insufficient to determine the role of this variant in disease. Therefore, it has been classified as a Variant of Uncertain Significance.